The following is an entry in ClinVar:

ClinVar aggregate classification (germline): Uncertain significance. Review status: criteria provided, multiple submitters, no conflicts (2 of 4 stars). 2 submissions from 2 submitters: Uncertain significance (2). Last evaluated 2025-07-09.

Conditions:
Inborn genetic diseases. Identifiers: MedGen C0950123, MeSH D030342.

gnomAD v4.1: 3 of 1,602,092 alleles (0.00019%); highest among the groups gnomAD compares: East Asian, 0.0022%; no homozygotes.

Submissions (2):

GeneDx
Classification: Uncertain significance. Last evaluated: 2025-07-09. Review status: criteria provided, single submitter. Criteria: GeneDx Variant Classification Process June 2021. Collection method: clinical testing. Allele origin: germline. Affected: yes.
Comment: Not observed at significant frequency in large population cohorts (gnomAD); In silico analysis suggests that this missense variant does not alter protein structure/function; Has not been previously published as pathogenic or benign to our knowledge

Ambry Genetics
Classification: Uncertain significance for Inborn genetic diseases. Last evaluated: 2025-03-27. Review status: criteria provided, single submitter. Criteria: Ambry Variant Classification Scheme 2023. Collection method: clinical testing. Allele origin: germline.

NM_002473.6(MYH9):c.2821A>T (p.Met941Leu)

Genes: MYH9 (myosin heavy chain 9; minus strand), LOC126863137 (CDK7 strongly-dependent group 2 enhancer GRCh37_chr22:36696002-36697201; plus strand). Cytogenetic location: 22q12.3.
Variant type: single nucleotide variant.
Coding change: c.2821A>T on transcript NM_002473.6 (MANE Select); coding-DNA position 2821, A replaced by T.
Protein change: p.Met941Leu; replaces methionine 941 with leucine.
Molecular consequence: missense variant.
Genome position (GRCh38, 1-based): chr22:36,300,868, T>A on the plus strand (A>T on the coding strand, the complement: MYH9 is on the minus strand). VCF-style: chr22-36300868-T-A. GRCh37 (hg19) VCF-style: chr22-36696914-T-A.
Other names: short protein forms M941L.
Identifiers: ClinVar variation 3915708 (VCV003915708.2).
Genomic context (GRCh38, chr22:36,300,868, plus strand): 5'-GCCCCTCCGGCGCCACCCCTCCCCGGGTGCAGCGGGCAGGAACCTGGATGTTCTGCTGCA[T>A]CTTCTTCTTCTCCGCCTGCAGGTGCTGGCAGCGCTCCTCCTCCTCCTCCACCCTGGCCTC-3'
Protein context (NP_002464.1, residues 931-951): CQHLQAEKKK[Met941Leu]QQNIQELEEQ